The following is an entry in ClinVar:

NM_001042492.3(NF1):c.7462C>G (p.Leu2488Val)

Gene: NF1 (neurofibromin 1; plus strand). Cytogenetic location: 17q11.2.
Variant type: single nucleotide variant.
Coding change: c.7462C>G on transcript NM_001042492.3 (MANE Select); coding-DNA position 7462, C replaced by G.
Protein change: p.Leu2488Val; replaces leucine 2488 with valine.
Molecular consequence: missense variant.
Genome position (GRCh38, 1-based): chr17:31,352,261, C>G. VCF-style: chr17-31352261-C-G. GRCh37 (hg19) VCF-style: chr17-29679279-C-G.
Other names: c.7399C>G, p.Leu2467Val (NM_000267.4); short protein forms L2467V, L2488V.
Identifiers: ClinVar variation 233345 (VCV000233345.4), dbSNP rs876660345, ClinGen allele CA10580411.

ClinVar aggregate classification (germline): Uncertain significance. Review status: criteria provided, multiple submitters, no conflicts (2 of 4 stars). 2 submissions from 2 submitters: Uncertain significance (2). Last evaluated 2022-11-13.

Conditions:
Hereditary cancer-predisposing syndrome. Also called: Tumor predisposition; Hereditary Cancer Syndrome; Hereditary neoplastic syndrome; Neoplastic Syndromes, Hereditary. Identifiers: Orphanet 140162, MedGen C0027672, MeSH D009386, MONDO:0015356.
Neurofibromatosis, type 1 (NF1). Also called: VON RECKLINGHAUSEN DISEASE; NEUROFIBROMATOSIS, TYPE I, SOMATIC; Peripheral type neurofibromatosis; Neurofibromatosis, type I. Identifiers: Orphanet 636, MedGen C0027831, MONDO:0018975, OMIM 162200. Disease mechanism: loss of function.

gnomAD v4.1: 1 of 1,613,934 alleles (0.000062%); no homozygotes.

Submissions (2):

Labcorp Genetics (formerly Invitae), Labcorp
Classification: Uncertain significance for Neurofibromatosis, type 1. Last evaluated: 2022-11-13. Review status: criteria provided, single submitter. Criteria: Invitae Variant Classification Sherloc (09022015). Collection method: clinical testing. Allele origin: germline.
Comment: In summary, the available evidence is currently insufficient to determine the role of this variant in disease. Therefore, it has been classified as a Variant of Uncertain Significance. Algorithms developed to predict the effect of sequence changes on RNA splicing suggest that this variant may create or strengthen a splice site. Advanced modeling of protein sequence and biophysical properties (such as structural, functional, and spatial information, amino acid conservation, physicochemical variation, residue mobility, and thermodynamic stability) performed at Invitae indicates that this missense variant is not expected to disrupt NF1 protein function. ClinVar contains an entry for this variant (Variation ID: 233345). This variant has not been reported in the literature in individuals affected with NF1-related conditions. This variant is not present in population databases (gnomAD no frequency). This sequence change replaces leucine, which is neutral and non-polar, with valine, which is neutral and non-polar, at codon 2467 of the NF1 protein (p.Leu2467Val).

Ambry Genetics
Classification: Uncertain significance for Hereditary cancer-predisposing syndrome. Last evaluated: 2015-08-11. Review status: criteria provided, single submitter. Criteria: Ambry Autosomal Dominant and X-Linked criteria (10/2015). Collection method: clinical testing. Allele origin: germline. Observed: 1 variant allele.
Comment: The p.L2488V variant (also known as c.7462C>G), located in coding exon 51 of the NF1 gene, results from a C to G substitution at nucleotide position 7462. The leucine at codon 2488 is replaced by valine, an amino acid with highly similar properties. This variant was not reported in population based cohorts in the following databases: Database of Single Nucleotide Polymorphisms (dbSNP), NHLBI Exome Sequencing Project (ESP), and 1000 Genomes Project. In the ESP, this variant was not observed in 6503 samples (13006 alleles) with coverage at this position. To date, this alteration has been detected with an allele frequency of approximately 0.002% (greater than 55000alleles tested) in our clinical cohort.This amino acid position is highly conserved in available vertebrate species. In addition, this alteration is predicted to be tolerated by in silico analysis.Since supporting evidence is limited at this time, the clinical significance of p.L2488V remains unclear.